The following is an entry in ClinVar:

NM_016628.5(WAC):c.313dup (p.Ser105fs)

Gene: WAC (WW domain containing adaptor with coiled-coil; plus strand). Cytogenetic location: 10p12.1.
Variant type: Duplication.
Coding change: c.313dup on transcript NM_016628.5 (MANE Select); coding-DNA position 313, one base duplicated (A; older notation c.313dupA).
Protein change: p.Ser105fs; shifts the reading frame from serine 105.
Molecular consequence: frameshift variant.
Genome position (GRCh38, 1-based): chr10:28,583,437, A duplicated. VCF-style (leftmost placement, unchanged base first): chr10-28583436-C-CA. GRCh37 (hg19) VCF-style: chr10-28872365-C-CA.
Other names: c.178dup, p.Ser60fs (NM_100264.3); c.313dup, p.Ser105fs (NM_100486.4); short protein forms S60fs, S105fs.
Identifiers: ClinVar variation 817437 (VCV000817437.1), dbSNP rs1589196234, ClinGen allele CA915945877.
Genomic context (GRCh38, chr10:28,583,436, plus strand): 5'-ACTTTGTTCTTTATTTTTTTAAGGGACCAGTTACTCTCCACAAGAAAATTCACACAACCA[C>CA]AGTGCTCTTCATAGTTCAAATTCACATTCTTCTAATCCAAGCAATAACCCAAGCAAAACT-3'

ClinVar aggregate classification (germline): Pathogenic (1 of 4 stars; one submission).

Submission:

GeneDx
Classification: Pathogenic. Last evaluated: 2019-02-25. Review status: criteria provided, single submitter. Criteria: GeneDx Variant Classification (06012015). Collection method: clinical testing. Allele origin: germline. Affected: yes.
Comment: The c.313dupA variant in the WAC gene has not been reported previously as a pathogenic variant nor as a benign variant, to our knowledge. The c.313dupA variant causes a frameshift starting with codon 105 Serine, changes this amino acid to a Lysine residue, and creates a premature Stop codon at position five of the new reading frame, denoted p.Ser105LysfsX5. This variant is predicted to cause loss of normal protein function either through protein truncation or nonsense-mediated mRNA decay. The c.313dupA variant is not observed in large population cohorts (Lek et al., 2016). We interpret c.313dupA as a pathogenic variant.